The following is an entry in ClinVar:

ClinVar aggregate classification (germline): Pathogenic (1 of 4 stars; one submission).

Conditions:
Bloom syndrome (BLM). Also called: Bloom-Torre-Machacek syndrome. Identifiers: Orphanet 125, MedGen C0005859, MONDO:0008876, OMIM 210900.

Submission:

Labcorp Genetics (formerly Invitae), Labcorp
Classification: Pathogenic for Bloom syndrome. Last evaluated: 2022-04-14. Review status: criteria provided, single submitter. Criteria: Invitae Variant Classification Sherloc (09022015). Collection method: clinical testing. Allele origin: germline.
Comment: For these reasons, this variant has been classified as Pathogenic. Algorithms developed to predict the effect of sequence changes on RNA splicing suggest that this variant may disrupt the consensus splice site. This variant has not been reported in the literature in individuals affected with BLM-related conditions. This variant is not present in population databases (gnomAD no frequency). This sequence change creates a premature translational stop signal (p.Arg643Leufs*13) in the BLM gene. It is expected to result in an absent or disrupted protein product. Loss-of-function variants in BLM are known to be pathogenic (PMID: 17407155).

Literature cited by the submitters: PubMed 17407155.

NM_000057.4(BLM):c.1928del (p.Arg643fs)

Gene: BLM (BLM RecQ like helicase; plus strand). Cytogenetic location: 15q26.1.
Variant type: Deletion.
Coding change: c.1928del on transcript NM_000057.4 (MANE Select); coding-DNA position 1928, one base deleted (G; older notation c.1928delG).
Protein change: p.Arg643fs; shifts the reading frame from arginine 643.
Molecular consequence: frameshift variant.
Genome position (GRCh38, 1-based): chr15:90,763,011, G deleted. VCF-style (leftmost placement, unchanged base first): chr15-90763010-CG-C. GRCh37 (hg19) VCF-style: chr15-91306240-CG-C.
Other names: c.1928del, p.Arg643fs (NM_001287246.2, NM_001287247.2); c.803del, p.Arg268fs (NM_001287248.2); short protein forms R643fs, R268fs.
Identifiers: ClinVar variation 1408716 (VCV001408716.6), dbSNP rs2151160567, ClinGen allele CA2573151387.
Genomic context (GRCh38, chr15:90,763,010, plus strand): 5'-TTGATTATTTTCCTAGACAAGTCAGCACAAAATTTAGCATCCAGAAATCTGAAACATGAG[CG>C]TTTCCAAAGTCTTAGTTTTCCTCATACAAAGGAAATGATGAAGATTTTTCATAAAAAATT-3'